The following is an entry in ClinVar:

ClinVar aggregate classification (germline): Uncertain significance (1 of 4 stars; one submission).

gnomAD v4.1: 11 of 1,520,196 alleles (0.00072%); highest among the groups gnomAD compares: South Asian, 0.0088%; no homozygotes.

Submission:

Ambry Genetics
Classification: Uncertain significance. Last evaluated: 2024-12-14. Review status: criteria provided, single submitter. Criteria: Ambry Variant Classification Scheme 2023. Collection method: clinical testing. Allele origin: germline.
Comment: The p.G619S variant (also known as c.1855G>A), located in coding exon 8 of the WNK2 gene, results from a G to A substitution at nucleotide position 1855. The glycine at codon 619 is replaced by serine, an amino acid with similar properties. This amino acid position is conserved. In addition, the in silico prediction for this alteration is inconclusive. Based on the available evidence, the clinical significance of this variant remains unclear.

NM_006648.4(WNK2):c.1855G>A (p.Gly619Ser)

Gene: WNK2 (WNK lysine deficient protein kinase 2; plus strand). Cytogenetic location: 9q22.31.
Variant type: single nucleotide variant.
Coding change: c.1855G>A on transcript NM_006648.4 (MANE Select); coding-DNA position 1855, G replaced by A.
Protein change: p.Gly619Ser; replaces glycine 619 with serine.
Molecular consequence: missense variant.
Genome position (GRCh38, 1-based): chr9:93,252,903, G>A. VCF-style: chr9-93252903-G-A. GRCh37 (hg19) VCF-style: chr9-96015185-G-A.
Other names: c.1855G>A, p.Gly619Ser (NM_001282394.3); short protein forms G619S.
Identifiers: ClinVar variation 3816464 (VCV003816464.1).
Genomic context (GRCh38, chr9:93,252,903, plus strand): 5'-TGGAGATGTCCACTCTAAGTCCTGCTTTTGTCCTCCCCAGCGGACAGCACCTTCGACAGC[G>A]GCCAGGGCTCTACCGTGTACTCAGACTCGCAGAGCAGCCAGCAGAGCGTGATGCTTGGCT-3'
Protein context (NP_006639.3, residues 609-629): SLASDSTFDS[Gly619Ser]QGSTVYSDSQ